The following is an entry in ClinVar:

ClinVar aggregate classification (germline): Uncertain significance. Review status: criteria provided, multiple submitters, no conflicts (2 of 4 stars). 2 submissions from 2 submitters: Uncertain significance (2). Last evaluated 2024-03-24.

Conditions:
Blepharophimosis - intellectual disability syndrome, SBBYS type (SBBYSS). Also called: Say-Barber-Biesecker-Young-Simpson variant of Ohdo Syndrome; Say-Barber-Biesecker Variant of Ohdo Syndrome; Say-Barber-Biesecker variant of Ohdo syndrome (SBBYSS); Ohdo syndrome, SBBYS variant; SBBYSS syndrome; Young Simpson syndrome. Identifiers: Orphanet 3047, MedGen C1863557, MONDO:0011365, OMIM 603736.
Genitopatellar syndrome (GTPTS). Also called: ABSENT PATELLAE, SCROTAL HYPOPLASIA, RENAL ANOMALIES, FACIAL DYSMORPHISM, AND MENTAL RETARDATION; Genitopatellar syndrome (GPS). Identifiers: Orphanet 85201, MedGen C1853566, MONDO:0011640, OMIM 606170.

Allele frequency attached by ClinVar (database versions not stated): TOPMed 0.00001.
gnomAD v4.1: 1 of 1,614,112 alleles (0.000062%); highest among the groups gnomAD compares: African/African-American, 0.0013%; no homozygotes.

Submissions (2):

Fulgent Genetics
Classification: Uncertain significance for Blepharophimosis - intellectual disability syndrome, SBBYS type; Genitopatellar syndrome. Last evaluated: 2024-03-24. Review status: criteria provided, single submitter. Criteria: ACMG Guidelines, 2015. Collection method: clinical testing. Allele origin: germline.

GeneDx
Classification: Uncertain significance. Last evaluated: 2018-09-20. Review status: criteria provided, single submitter. Criteria: GeneDx Variant Classification (06012015). Collection method: clinical testing. Allele origin: germline. Affected: yes.
Comment: The P1751A variant in the KAT6B gene has not been reported previously as a pathogenic variant, nor as a benign variant, to our knowledge. The P1751A variant was not observed in approximately 6,500 individuals of European and African American ancestry in the NHLBI Exome Sequencing Project, indicating it is not a common benign variant in these populations. The P1751A variant is a semi-conservative amino acid substitution, which may impact secondary protein structure as these residues differ in some properties. This substitution occurs at a position that is conserved across species. In silico analysis predicts this variant is probably damaging to the protein structure/function. We interpret P1751A as a variant of uncertain significance

NM_012330.4(KAT6B):c.5251C>G (p.Pro1751Ala)

Gene: KAT6B (lysine acetyltransferase 6B; plus strand). Cytogenetic location: 10q22.2.
Variant type: single nucleotide variant.
Coding change: c.5251C>G on transcript NM_012330.4 (MANE Select); coding-DNA position 5251, C replaced by G.
Protein change: p.Pro1751Ala; replaces proline 1751 with alanine.
Molecular consequence: missense variant.
Genome position (GRCh38, 1-based): chr10:75,030,075, C>G. VCF-style: chr10-75030075-C-G. GRCh37 (hg19) VCF-style: chr10-76789833-C-G.
Other names: c.4702C>G, p.Pro1568Ala (NM_001256468.2, NM_001370138.1); c.4375C>G, p.Pro1459Ala (NM_001256469.2, NM_001370139.1, NM_001370140.1 and 2 more transcripts); c.4213C>G, p.Pro1405Ala (NM_001370132.1); c.3562C>G, p.Pro1188Ala (NM_001370133.1); c.3166C>G, p.Pro1056Ala (NM_001370134.1); c.2908C>G, p.Pro970Ala (NM_001370135.1); c.5251C>G, p.Pro1751Ala (NM_001370136.1, NM_001370137.1); c.4186C>G, p.Pro1396Ala (NM_001370143.1, NM_001370144.1); short protein forms P1751A, P1056A, P1568A, P1396A, P1405A, P1459A, P1188A, P970A.
Identifiers: ClinVar variation 280799 (VCV000280799.3), dbSNP rs772074863, ClinGen allele CA10603068.